The following is an entry in ClinVar:

NM_003742.4(ABCB11):c.1779T>A (p.Ser593Arg)

Gene: ABCB11 (ATP binding cassette subfamily B member 11; minus strand). Cytogenetic location: 2q31.1.
Variant type: single nucleotide variant.
Coding change: c.1779T>A on transcript NM_003742.4 (MANE Select); coding-DNA position 1779, T replaced by A.
Protein change: p.Ser593Arg; replaces serine 593 with arginine.
Molecular consequence: missense variant.
Genome position (GRCh38, 1-based): chr2:168,970,075, A>T on the plus strand (T>A on the coding strand, the complement: ABCB11 is on the minus strand). VCF-style: chr2-168970075-A-T. GRCh37 (hg19) VCF-style: chr2-169826585-A-T.
Other names: short protein forms S593R.
Identifiers: ClinVar variation 4846180 (VCV004846180.1).

ClinVar aggregate classification (germline): Uncertain significance (1 of 4 stars; one submission).

Conditions:
Familial intrahepatic cholestasis. Identifiers: Orphanet 284385, MedGen CN296401, MONDO:0017290.

Submission:

Genomenon, Inc
Classification: Uncertain significance for Familial intrahepatic cholestasis. Last evaluated: 2026-04-14. Review status: criteria provided, single submitter. Criteria: Genomenon Sequence Variant Interpretation Standards - Updated. Collection method: curation. Allele origin: germline. Affected: yes.
Comment: ABCB11 p.Ser593Arg (c.1779T>A) is a missense variant that changes the amino acid at residue 593 from Serine to Arginine. This variant has been observed in at least one proband with an ABCB11-related disorder (PMID:25847299;10579978). At least one splicing study demonstrated no effect on splicing (PMID:19101985). It is absent or not present at a significant frequency in gnomAD. In silico models predict that this variant is possibly or probably damaging. In conclusion, we classify ABCB11 p.Ser593Arg (c.1779T>A) as a variant of uncertain significance.

Literature cited by the submitters: PubMed 25847299; PubMed 10579978; PubMed 19101985.